The following is an entry in ClinVar:

ClinVar aggregate classification (germline): Uncertain significance. Review status: criteria provided, multiple submitters, no conflicts (2 of 4 stars). 2 submissions from 2 submitters: Uncertain significance (2). Last evaluated 2025-06-08.

Conditions:
Inborn genetic diseases. Identifiers: MedGen C0950123, MeSH D030342.
Fanconi anemia (FA). Also called: Fanconi's anemia. Identifiers: Orphanet 84, MedGen C0015625, MeSH D005199, MONDO:0019391.

Allele frequency attached by ClinVar (database versions not stated): gnomAD 0.00001; TOPMed 0.00001.
gnomAD v4.1: 3 of 1,613,952 alleles (0.00019%); highest among the groups gnomAD compares: Middle Eastern, 0.017%; no homozygotes.

Submissions (2):

Ambry Genetics
Classification: Uncertain significance for Inborn genetic diseases. Last evaluated: 2025-06-08. Review status: criteria provided, single submitter. Criteria: Ambry Variant Classification Scheme 2023. Collection method: clinical testing. Allele origin: germline.
Comment: The p.V1025L variant (also known as c.3073G>T), located in coding exon 32 of the FANCA gene, results from a G to T substitution at nucleotide position 3073. The valine at codon 1025 is replaced by leucine, an amino acid with highly similar properties. This amino acid position is conserved. In addition, this alteration is predicted to be tolerated by in silico analysis. Based on the available evidence, the clinical significance of this variant remains unclear.

Labcorp Genetics (formerly Invitae), Labcorp
Classification: Uncertain significance for Fanconi anemia. Last evaluated: 2022-10-26. Review status: criteria provided, single submitter. Criteria: Invitae Variant Classification Sherloc (09022015). Collection method: clinical testing. Allele origin: germline.
Comment: This sequence change replaces valine, which is neutral and non-polar, with leucine, which is neutral and non-polar, at codon 1025 of the FANCA protein (p.Val1025Leu). This variant is not present in population databases (gnomAD no frequency). This variant has not been reported in the literature in individuals affected with FANCA-related conditions. Advanced modeling of protein sequence and biophysical properties (such as structural, functional, and spatial information, amino acid conservation, physicochemical variation, residue mobility, and thermodynamic stability) performed at Invitae indicates that this missense variant is not expected to disrupt FANCA protein function. In summary, the available evidence is currently insufficient to determine the role of this variant in disease. Therefore, it has been classified as a Variant of Uncertain Significance.

NM_000135.4(FANCA):c.3073G>T (p.Val1025Leu)

Gene: FANCA (FA complementation group A; minus strand). Cytogenetic location: 16q24.3.
Variant type: single nucleotide variant.
Coding change: c.3073G>T on transcript NM_000135.4 (MANE Select); coding-DNA position 3073, G replaced by T.
Protein change: p.Val1025Leu; replaces valine 1025 with leucine.
Molecular consequence: missense variant.
Genome position (GRCh38, 1-based): chr16:89,749,896, C>A on the plus strand (G>T on the coding strand, the complement: FANCA is on the minus strand). VCF-style: chr16-89749896-C-A. GRCh37 (hg19) VCF-style: chr16-89816304-C-A.
Other names: c.3073G>T, p.Val1025Leu (NM_001286167.3); short protein forms V1025L.
Identifiers: ClinVar variation 2420882 (VCV002420882.4), dbSNP rs1567603979, ClinGen allele CA397486752.
Genomic context (GRCh38, chr16:89,749,896, plus strand): 5'-CCTGGGAAGGGGTGTGGCCGAGAGGCACTATGAGGTCTTGCTGCAGCTCCAGGTCAGCTA[C>A]CATCTCCTGAAAAAGAGCAGTATGCTGGCACAGGAAGGCCTCGGGGCTCACTGCCCAGCC-3'
Protein context (NP_000126.2, residues 1015-1035): EDIISRLQEM[Val1025Leu]ADLELQQDLI